The following is an entry in ClinVar:

ClinVar aggregate classification (germline): Uncertain significance (1 of 4 stars; one submission).

Conditions:
Granulomatous disease, chronic, autosomal recessive, cytochrome b-negative. Also called: CGD DUE TO DEFICIENCY OF THE ALPHA SUBUNIT OF CYTOCHROME b; CGD, AUTOSOMAL RECESSIVE CYTOCHROME b-NEGATIVE; CYBA DEFICIENCY; GRANULOMATOUS DISEASE, CHRONIC, AUTOSOMAL RECESSIVE, 4; Chronic granulomatous disease, autosomal, due to deficiency of CYBA. Identifiers: Orphanet 379, MedGen C1856255, MONDO:0009308, OMIM 233690.

Submission:

Labcorp Genetics (formerly Invitae), Labcorp
Classification: Uncertain significance for Granulomatous disease, chronic, autosomal recessive, cytochrome b-negative. Last evaluated: 2022-06-27. Review status: criteria provided, single submitter. Criteria: Invitae Variant Classification Sherloc (09022015). Collection method: clinical testing. Allele origin: germline.
Comment: This sequence change replaces arginine, which is basic and polar, with leucine, which is neutral and non-polar, at codon 32 of the CYBA protein (p.Arg32Leu). The frequency data for this variant in the population databases is considered unreliable, as metrics indicate poor data quality at this position in the gnomAD database. This variant has not been reported in the literature in individuals affected with CYBA-related conditions. ClinVar contains an entry for this variant (Variation ID: 1021278). Algorithms developed to predict the effect of missense changes on protein structure and function (SIFT, PolyPhen-2, Align-GVGD) all suggest that this variant is likely to be tolerated. In summary, the available evidence is currently insufficient to determine the role of this variant in disease. Therefore, it has been classified as a Variant of Uncertain Significance.

NM_000101.4(CYBA):c.95G>T (p.Arg32Leu)

Gene: CYBA (cytochrome b-245 alpha chain; minus strand). Cytogenetic location: 16q24.2.
Variant type: single nucleotide variant.
Coding change: c.95G>T on transcript NM_000101.4 (MANE Select); coding-DNA position 95, G replaced by T.
Protein change: p.Arg32Leu; replaces arginine 32 with leucine.
Molecular consequence: missense variant.
Genome position (GRCh38, 1-based): chr16:88,648,078, C>A on the plus strand (G>T on the coding strand, the complement: CYBA is on the minus strand). VCF-style: chr16-88648078-C-A. GRCh37 (hg19) VCF-style: chr16-88714486-C-A.
Other names: short protein forms R32L.
Identifiers: ClinVar variation 1021278 (VCV001021278.6), dbSNP rs368862873, ClinGen allele CA397065945.